The following is an entry in ClinVar:

ClinVar aggregate classification (germline): Likely benign (1 of 4 stars; one submission).

Submission:

CeGaT Center for Human Genetics Tuebingen
Classification: Likely benign. Last evaluated: 2026-04-01. Review status: criteria provided, single submitter. Criteria: CeGaT Center For Human Genetics Tuebingen Variant Classification Criteria Version 2. Collection method: clinical testing. Allele origin: germline. Affected: yes. Observed: 1 variant allele.
Comment: BAG3: PM2:Supporting, BP4, BP7

NM_004281.4(BAG3):c.66G>A (p.Leu22=)

Gene: BAG3 (BAG cochaperone 3; plus strand). Cytogenetic location: 10q26.11.
Variant type: single nucleotide variant.
Coding change: c.66G>A on transcript NM_004281.4 (MANE Select); coding-DNA position 66, G replaced by A.
Protein change: p.Leu22=; no amino-acid change (leucine 22 retained).
Molecular consequence: synonymous variant.
Genome position (GRCh38, 1-based): chr10:119,651,741, G>A. VCF-style: chr10-119651741-G-A. GRCh37 (hg19) VCF-style: chr10-121411253-G-A.
Identifiers: ClinVar variation 4874823 (VCV004874823.2).